The following is an entry in ClinVar:

NM_004360.5(CDH1):c.825T>C (p.Ala275=)

Gene: CDH1 (cadherin 1; plus strand). Cytogenetic location: 16q22.1.
Variant type: single nucleotide variant.
Coding change: c.825T>C on transcript NM_004360.5 (MANE Select); coding-DNA position 825, T replaced by C.
Protein change: p.Ala275=; no amino-acid change (alanine 275 retained).
Molecular consequence: synonymous variant. On other transcripts: 5 prime UTR variant (2).
Genome position (GRCh38, 1-based): chr16:68,810,334, T>C. VCF-style: chr16-68810334-T-C. GRCh37 (hg19) VCF-style: chr16-68844237-T-C.
Other names: c.825T>C, p.Ala275= (NM_001317184.2); c.-791T>C (NM_001317185.2); c.-995T>C (NM_001317186.2).
Identifiers: ClinVar variation 3379356 (VCV003379356.1).
Genomic context (GRCh38, chr16:68,810,334, plus strand): 5'-GAATGACAACAAGCCCGAATTCACCCAGGAGGTCTTTAAGGGGTCTGTCATGGAAGGTGC[T>C]CTTCCAGGTATATCCACTAATGAGAATCTGAATACTCAGAAAGACTCTTAGGTTCTTTGG-3'
Protein context (NP_004351.1, residues 265-285): EVFKGSVMEG[Ala275=]LPGTSVMEVT

ClinVar aggregate classification (germline): Benign (1 of 4 stars; one submission).

Conditions:
Hereditary diffuse gastric adenocarcinoma (HDGC). Also called: DIFFUSE GASTRIC AND LOBULAR BREAST CANCER SYNDROME. Identifiers: Orphanet 26106, MedGen C1708349, MONDO:0007648, OMIM 137215.

Submission:

Myriad Genetics, Inc.
Classification: Benign for Hereditary diffuse gastric adenocarcinoma. Last evaluated: 2024-09-16. Review status: criteria provided, single submitter. Criteria: Myriad Autosomal Dominant, Autosomal Recessive and X-Linked Classification Criteria (2023). Collection method: clinical testing. Allele origin: unknown.
Comment: This variant is considered benign. This variant is a silent/synonymous amino acid change and it is not expected to impact splicing.